The following is an entry in ClinVar:

ClinVar aggregate classification (germline): Uncertain significance (1 of 4 stars; one submission).

Conditions:
MHC class I deficiency. Identifiers: Orphanet 34592, MedGen C6024714, MONDO:0011476.

Allele frequency attached by ClinVar (database versions not stated): TOPMed below 0.00001; gnomAD 0.00001; gnomAD exomes 0.00002 and 0.00001.
gnomAD v4.1: 29 of 1,612,622 alleles (0.0018%); highest among the groups gnomAD compares: Non-Finnish European, 0.0022%; no homozygotes.

Submission:

Labcorp Genetics (formerly Invitae), Labcorp
Classification: Uncertain significance for MHC class I deficiency 1. Last evaluated: 2021-08-30. Review status: criteria provided, single submitter. Criteria: Invitae Variant Classification Sherloc (09022015). Collection method: clinical testing. Allele origin: germline.
Comment: This sequence change replaces alanine with valine at codon 712 of the TAP1 protein (p.Ala712Val). The alanine residue is highly conserved and there is a small physicochemical difference between alanine and valine. This variant is not present in population databases (ExAC no frequency). This variant has not been reported in the literature in individuals affected with TAP1-related conditions. Algorithms developed to predict the effect of missense changes on protein structure and function are either unavailable or do not agree on the potential impact of this missense change (SIFT: "Deleterious"; PolyPhen-2: "Probably Damaging"; Align-GVGD: "Class C0"). In summary, the available evidence is currently insufficient to determine the role of this variant in disease. Therefore, it has been classified as a Variant of Uncertain Significance.

NM_000593.6(TAP1):c.1955C>T (p.Ala652Val)

Gene: TAP1 (transporter 1, ATP binding cassette subfamily B member; minus strand). Cytogenetic location: 6p21.32.
Variant type: single nucleotide variant.
Coding change: c.1955C>T on transcript NM_000593.6 (MANE Select); coding-DNA position 1955, C replaced by T.
Protein change: p.Ala652Val; replaces alanine 652 with valine.
Molecular consequence: missense variant.
Genome position (GRCh38, 1-based): chr6:32,847,153, G>A on the plus strand (C>T on the coding strand, the complement: TAP1 is on the minus strand). VCF-style: chr6-32847153-G-A. GRCh37 (hg19) VCF-style: chr6-32814930-G-A.
Other names: c.1352C>T, p.Ala451Val (NM_001292022.2); short protein forms A451V, A652V.
Identifiers: ClinVar variation 998750 (VCV000998750.6), dbSNP rs1458831913, ClinGen allele CA363590849.